The following is an entry in ClinVar:

ClinVar aggregate classification (germline): Uncertain significance. Review status: criteria provided, multiple submitters, no conflicts (2 of 4 stars). 6 submissions from 6 submitters: Uncertain significance (5). 1 of the submissions does not count toward it. Last evaluated 2025-10-29.

Conditions:
Lipase deficiency, combined. Also called: LIPOPROTEIN LIPASE DEFICIENCY WITH HEPATIC TRIGLYCERIDE LIPASE DEFICIENCY; LPL AND HL DEFICIENCY; LPL AND HTGL DEFICIENCY. Identifiers: Orphanet 535453, MedGen C1855498, MONDO:0009527, OMIM 246650.
LMF1-related disorder. Also called: LMF1-related condition.
Cardiovascular phenotype. Identifiers: MedGen CN230736.

Allele frequency attached by ClinVar (database versions not stated): ExAC 0.00025.
gnomAD v4.1: 934 of 1,553,816 alleles (0.06%); highest among the groups gnomAD compares: Non-Finnish European, 0.078%; 2 homozygotes.

Submissions (6):

Ambry Genetics
Classification: Uncertain significance for Cardiovascular phenotype. Last evaluated: 2025-10-29. Review status: criteria provided, single submitter. Criteria: Ambry Variant Classification Scheme 2023. Collection method: clinical testing. Allele origin: germline.

Blueprint Genetics
Classification: Uncertain significance. Last evaluated: 2024-10-23. Review status: criteria provided, single submitter. Criteria: ACMG Guidelines, 2015. Collection method: clinical testing. Allele origin: germline.

Labcorp Genetics (formerly Invitae), Labcorp
Classification: Uncertain significance. Last evaluated: 2022-07-15. Review status: criteria provided, single submitter. Criteria: Invitae Variant Classification Sherloc (09022015). Collection method: clinical testing. Allele origin: germline.
Comment: This sequence change replaces glycine, which is neutral and non-polar, with glutamic acid, which is acidic and polar, at codon 228 of the LMF1 protein (p.Gly228Glu). This variant is present in population databases (rs754772870, gnomAD 0.05%). This missense change has been observed in individual(s) with clinical features of dyslipidemia (PMID: 32041611). ClinVar contains an entry for this variant (Variation ID: 1254599). Algorithms developed to predict the effect of missense changes on protein structure and function are either unavailable or do not agree on the potential impact of this missense change (SIFT: "Tolerated"; PolyPhen-2: "Possibly Damaging"; Align-GVGD: "Class C0"). In summary, the available evidence is currently insufficient to determine the role of this variant in disease. Therefore, it has been classified as a Variant of Uncertain Significance.

Fulgent Genetics
Classification: Uncertain significance for Lipase deficiency, combined. Last evaluated: 2021-10-06. Review status: criteria provided, single submitter. Criteria: ACMG Guidelines, 2015. Collection method: clinical testing. Allele origin: unknown.

GeneDx
Classification: Uncertain significance. Last evaluated: 2021-07-23. Review status: criteria provided, single submitter. Criteria: GeneDx Variant Classification Process June 2021. Collection method: clinical testing. Allele origin: germline. Affected: yes.
Comment: In silico analysis supports that this missense variant has a deleterious effect on protein structure/function; This variant is associated with the following publications: (PMID: 32041611)

PreventionGenetics, part of Exact Sciences
Classification: Uncertain significance for LMF1-related condition. Last evaluated: 2023-11-27. Review status: no assertion criteria provided. Collection method: clinical testing. Allele origin: germline. Not counted in ClinVar's aggregate classification.
Comment: The LMF1 c.683G>A variant is predicted to result in the amino acid substitution p.Gly228Glu. This variant has been reported as a variant of uncertain significance in a large cohort study of dyslipidemia (Table S4, Dron et al. 2020. PubMed ID: 32041611). This variant is reported in 0.053% of alleles in individuals of European (Non-Finnish) descent in gnomAD, which may be too common to be a primary cause of disease. Although we suspect that this variant may be benign, at this time, the clinical significance of this variant is uncertain due to the absence of conclusive functional and genetic evidence.

Literature cited by the submitters: PubMed 32041611 (cited by Labcorp Genetics (formerly Invitae), Labcorp).

NM_022773.4(LMF1):c.683G>A (p.Gly228Glu)

Gene: LMF1 (lipase maturation factor 1; minus strand). Cytogenetic location: 16p13.3.
Variant type: single nucleotide variant.
Coding change: c.683G>A on transcript NM_022773.4 (MANE Select); coding-DNA position 683, G replaced by A.
Protein change: p.Gly228Glu; replaces glycine 228 with glutamic acid.
Molecular consequence: missense variant. On other transcripts: non-coding transcript variant (1).
Genome position (GRCh38, 1-based): chr16:893,053, C>T on the plus strand (G>A on the coding strand, the complement: LMF1 is on the minus strand). VCF-style: chr16-893053-C-T. GRCh37 (hg19) VCF-style: chr16-943053-C-T.
Other names: c.32G>A, p.Gly11Glu (NM_001352017.2, NM_001352021.2); c.284G>A, p.Gly95Glu (NM_001352018.2); c.356G>A, p.Gly119Glu (NM_001352019.2); c.683G>A, p.Gly228Glu (NM_001352020.1); c.683G>A (NM_022773.2); short protein forms G119E, G11E, G228E, G95E.
Identifiers: ClinVar variation 1254599 (VCV001254599.10), dbSNP rs754772870, ClinGen allele CA7797412.
Genomic context (GRCh38, chr16:893,053, plus strand): 5'-CACGGCACGCTCACCTCATAGTGGAAGTCCATGCAGGTGAGGTCTCGCCAGCACCGGTCC[C>T]CCCGGATCTTGATCAGGCCCTGCAAGGAAGAGAGCAGAGGGAGAGTCAGTCACAGGGGCT-3'
Protein context (NP_073610.2, residues 218-238): MLGAGLIKIR[Gly228Glu]DRCWRDLTCM